The following is an entry in ClinVar:

NM_016373.4(WWOX):c.568G>T (p.Val190Leu)

Gene: WWOX (WW domain containing oxidoreductase; plus strand). Cytogenetic location: 16q23.1.
Variant type: single nucleotide variant.
Coding change: c.568G>T on transcript NM_016373.4 (MANE Select); coding-DNA position 568, G replaced by T.
Protein change: p.Val190Leu; replaces valine 190 with leucine.
Molecular consequence: missense variant.
Genome position (GRCh38, 1-based): chr16:78,386,911, G>T. VCF-style: chr16-78386911-G-T. GRCh37 (hg19) VCF-style: chr16-78420808-G-T.
Other names: c.229G>T, p.Val77Leu (NM_001291997.2); short protein forms V190L, V77L.
Identifiers: ClinVar variation 1000409 (VCV001000409.5), dbSNP rs769400934, ClinGen allele CA8183339.

ClinVar aggregate classification (germline): Uncertain significance (1 of 4 stars; one submission).

Conditions:
Developmental and epileptic encephalopathy, 1 (DEE1). Also called: X-linked infantile spasms; West's syndrome; Tonic spasms with clustering, arrest of psychomotor development and hypsarrhythmia on EEG; X-Linked Infantile Spasm Syndrome; OHTAHARA SYNDROME, X-LINKED; Epileptic encephalopathy, early infantile, 1. Identifiers: MedGen C3463992, MONDO:0010632, OMIM 308350. Disease mechanism: loss of function.
Autosomal recessive spinocerebellar ataxia 12. Also called: SPINOCEREBELLAR ATAXIA WITH MENTAL RETARDATION AND EPILEPSY. Identifiers: Orphanet 284282, MedGen C3280452, MONDO:0013687, OMIM 614322.

gnomAD v4.1: 2 of 1,614,104 alleles (0.00012%); highest among the groups gnomAD compares: East Asian, 0.0022%; no homozygotes.

Submission:

Labcorp Genetics (formerly Invitae), Labcorp
Classification: Uncertain significance for Developmental and epileptic encephalopathy, 1; Autosomal recessive spinocerebellar ataxia 12. Last evaluated: 2021-05-08. Review status: criteria provided, single submitter. Criteria: Invitae Variant Classification Sherloc (09022015). Collection method: clinical testing. Allele origin: germline.
Comment: In summary, the available evidence is currently insufficient to determine the role of this variant in disease. Therefore, it has been classified as a Variant of Uncertain Significance. Algorithms developed to predict the effect of missense changes on protein structure and function are either unavailable or do not agree on the potential impact of this missense change (SIFT: "Not Available"; PolyPhen-2: "Probably Damaging"; Align-GVGD: "Not Available"). This variant has not been reported in the literature in individuals with WWOX-related conditions. This variant is present in population databases (rs769400934, ExAC 0.006%). This sequence change replaces valine with leucine at codon 190 of the WWOX protein (p.Val190Leu). The valine residue is highly conserved and there is a small physicochemical difference between valine and leucine.